The following is an entry in ClinVar:

NM_015057.5(MYCBP2):c.6552T>G (p.Asn2184Lys)

Gene: MYCBP2 (MYC binding protein 2; minus strand). Cytogenetic location: 13q22.3.
Variant type: single nucleotide variant.
Coding change: c.6552T>G on transcript NM_015057.5 (MANE Select); coding-DNA position 6552, T replaced by G.
Protein change: p.Asn2184Lys; replaces asparagine 2184 with lysine.
Molecular consequence: missense variant.
Genome position (GRCh38, 1-based): chr13:77,161,951, A>C on the plus strand (T>G on the coding strand, the complement: MYCBP2 is on the minus strand). VCF-style: chr13-77161951-A-C. GRCh37 (hg19) VCF-style: chr13-77736086-A-C.
Other names: short protein forms N2184K.
Identifiers: ClinVar variation 2504378 (VCV002504378.1), dbSNP rs2548922284, ClinGen allele CA388412693.

ClinVar aggregate classification (germline): Uncertain significance (1 of 4 stars; one submission).

Allele frequency attached by ClinVar (database versions not stated): gnomAD exomes below 0.00001.
gnomAD v4.1: 1 of 1,602,034 alleles (0.000062%); highest among the groups gnomAD compares: Non-Finnish European, 0.000085%; no homozygotes.

Submission:

GeneDx
Classification: Uncertain significance. Last evaluated: 2022-12-04. Review status: criteria provided, single submitter. Criteria: GeneDx Variant Classification Process June 2021. Collection method: clinical testing. Allele origin: germline. Affected: yes.
Comment: Not observed at significant frequency in large population cohorts (gnomAD); In silico analysis supports that this missense variant does not alter protein structure/function; Has not been previously published as pathogenic or benign to our knowledge